The following is an entry in ClinVar:

ClinVar aggregate classification (germline): Benign/Likely benign. Review status: criteria provided, multiple submitters, no conflicts (2 of 4 stars). 6 submissions from 6 submitters: Benign (1); Likely benign (5). Last evaluated 2026-02-24.

Conditions:
Cardiomyopathy (CMYO). Also called: Cardiomyopathies. Identifiers: Orphanet 167848, MedGen C0878544, MONDO:0004994, HP:0001638. Inheritance: Various modes of inheritance.
MYH7-related disorder. Also called: MYH7-related condition; MYH7-related disease; MYH7-related disorders.
Cardiovascular phenotype. Identifiers: MedGen CN230736.
Hypertrophic cardiomyopathy. Also called: HYPERTROPHIC MYOCARDIOPATHY. Identifiers: Orphanet 217569, MedGen C0007194, MeSH D002312, MONDO:0005045, HP:0001639.

Allele frequency attached by ClinVar (database versions not stated): ExAC 0.00001; gnomAD exomes 0.00001; gnomAD 0.00007 and 0.00009; ESP Exome Variant Server 0.00008; TOPMed 0.00011.
gnomAD v4.1: 21 of 1,613,898 alleles (0.0013%); highest among the groups gnomAD compares: Admixed American, 0.027%; no homozygotes.

Submissions (6):

PreventionGenetics, part of Exact Sciences
Classification: Likely benign for MYH7-related condition. Last evaluated: 2026-02-24. Review status: criteria provided, single submitter. Criteria: ACMG Guidelines, 2015. Collection method: clinical testing. Allele origin: germline.
Comment: This variant is classified as likely benign based on ACMG/AMP sequence variant interpretation guidelines (Richards et al. 2015 PMID: 25741868, with internal and published modifications).

Labcorp Genetics (formerly Invitae), Labcorp
Classification: Likely benign for Hypertrophic cardiomyopathy. Last evaluated: 2026-01-06. Review status: criteria provided, single submitter. Criteria: Invitae Variant Classification Sherloc (09022015). Collection method: clinical testing. Allele origin: germline.

All of Us Research Program, National Institutes of Health
Classification: Likely benign for Cardiomyopathy. Last evaluated: 2023-12-13. Review status: criteria provided, single submitter. Criteria: ACMG Guidelines, 2015. Collection method: clinical testing. Allele origin: germline. Inheritance: Autosomal dominant inheritance. Observed: 2 variant alleles, 2 heterozygotes.
Comment: This study involves interpretation of variants in research participants for the purpose of population health screening. Participant phenotype was not available at the time of variant classification. Additional details can be found in publication PMID: 35346344, PMCID: PMC8962531

Ambry Genetics
Classification: Likely benign for Cardiovascular phenotype. Last evaluated: 2020-04-28. Review status: criteria provided, single submitter. Criteria: Ambry Variant Classification Scheme 2023. Collection method: clinical testing. Allele origin: germline.

Color Diagnostics, LLC DBA Color Health
Classification: Likely benign for Cardiomyopathy. Last evaluated: 2018-11-30. Review status: criteria provided, single submitter. Criteria: ACMG Guidelines, 2015. Collection method: clinical testing. Allele origin: germline.

GeneDx
Classification: Benign. Last evaluated: 2015-03-03. Review status: criteria provided, single submitter. Criteria: GeneDx Variant Classification Process June 2021. Collection method: clinical testing. Allele origin: germline. Affected: yes.

NM_000257.4(MYH7):c.3045C>T (p.Asp1015=)

Gene: MYH7 (myosin heavy chain 7; minus strand). Cytogenetic location: 14q11.2.
Variant type: single nucleotide variant.
Coding change: c.3045C>T on transcript NM_000257.4 (MANE Select); coding-DNA position 3045, C replaced by T.
Protein change: p.Asp1015=; no amino-acid change (aspartic acid 1015 retained).
Molecular consequence: synonymous variant.
Genome position (GRCh38, 1-based): chr14:23,423,601, G>A on the plus strand (C>T on the coding strand, the complement: MYH7 is on the minus strand). VCF-style: chr14-23423601-G-A. GRCh37 (hg19) VCF-style: chr14-23892810-G-A.
Identifiers: ClinVar variation 697477 (VCV000697477.17), dbSNP rs150607954, ClinGen allele CA035354.